The following is an entry in ClinVar:

NM_032634.4(PIGO):c.1222C>T (p.Gln408Ter)

Gene: PIGO (phosphatidylinositol glycan anchor biosynthesis class O; minus strand). Cytogenetic location: 9p13.3.
Variant type: single nucleotide variant.
Coding change: c.1222C>T on transcript NM_032634.4 (MANE Select); coding-DNA position 1222, C replaced by T.
Protein change: p.Gln408Ter; replaces glutamine 408 with a stop codon.
Molecular consequence: nonsense.
Genome position (GRCh38, 1-based): chr9:35,092,665, G>A on the plus strand (C>T on the coding strand, the complement: PIGO is on the minus strand). VCF-style: chr9-35092665-G-A. GRCh37 (hg19) VCF-style: chr9-35092662-G-A.
Other names: c.1222C>T, p.Gln408Ter (NM_001201484.2, NM_152850.4); short protein forms Q408*.
Identifiers: ClinVar variation 1454378 (VCV001454378.6), dbSNP rs750636989, ClinGen allele CA5040695.

ClinVar aggregate classification (germline): Pathogenic (1 of 4 stars; one submission).

Conditions:
Hyperphosphatasia with impaired intellectual development syndrome 2. Also called: Hyperphosphatasia with intellectual disability syndrome 2; GLYCOSYLPHOSPHATIDYLINOSITOL BIOSYNTHESIS DEFECT 6. Identifiers: Orphanet 247262, MedGen C3553637, MONDO:0013882, OMIM 614749.

Allele frequency attached by ClinVar (database versions not stated): gnomAD exomes below 0.00001 and 0.00001; ExAC 0.00002.
gnomAD v4.1: 2 of 1,614,222 alleles (0.00012%); highest among the groups gnomAD compares: Admixed American, 0.0033%; no homozygotes.

Submission:

Labcorp Genetics (formerly Invitae), Labcorp
Classification: Pathogenic for Hyperphosphatasia with impaired intellectual development syndrome 2. Last evaluated: 2020-11-15. Review status: criteria provided, single submitter. Criteria: Invitae Variant Classification Sherloc (09022015). Collection method: clinical testing. Allele origin: germline.
Comment: This sequence change creates a premature translational stop signal (p.Gln408*) in the PIGO gene. It is expected to result in an absent or disrupted protein product. Loss-of-function variants in PIGO are known to be pathogenic (PMID: 22683086, 24417746). This variant is present in population databases (rs750636989, ExAC 0.02%). This variant has not been reported in the literature in individuals with PIGO-related conditions. For these reasons, this variant has been classified as Pathogenic.

Literature cited by the submitters: PubMed 22683086; PubMed 24417746.